The following is an entry in ClinVar:

NM_203447.4(DOCK8):c.3910A>G (p.Met1304Val)

Gene: DOCK8 (dedicator of cytokinesis 8; plus strand). Cytogenetic location: 9p24.3.
Variant type: single nucleotide variant.
Coding change: c.3910A>G on transcript NM_203447.4 (MANE Select); coding-DNA position 3910, A replaced by G.
Protein change: p.Met1304Val; replaces methionine 1304 with valine.
Molecular consequence: missense variant.
Genome position (GRCh38, 1-based): chr9:420,470, A>G. VCF-style: chr9-420470-A-G. GRCh37 (hg19) VCF-style: chr9-420470-A-G.
Other names: c.3610A>G, p.Met1204Val (NM_001190458.2); c.3706A>G, p.Met1236Val (NM_001193536.2); short protein forms M1236V, M1304V, M1204V.
Identifiers: ClinVar variation 849286 (VCV000849286.10), dbSNP rs376247401, ClinGen allele CA4958870.

ClinVar aggregate classification (germline): Uncertain significance. Review status: criteria provided, multiple submitters, no conflicts (2 of 4 stars). 3 submissions from 3 submitters: Uncertain significance (3). Last evaluated 2024-12-09.

Conditions:
Inborn genetic diseases. Identifiers: MedGen C0950123, MeSH D030342.

Allele frequency attached by ClinVar (database versions not stated): ExAC 0.00001; gnomAD exomes 0.00002; TOPMed 0.00003; ESP Exome Variant Server 0.00008.

Submissions (3):

Labcorp Genetics (formerly Invitae), Labcorp
Classification: Uncertain significance for Combined immunodeficiency due to DOCK8 deficiency. Last evaluated: 2024-12-09. Review status: criteria provided, single submitter. Criteria: Invitae Variant Classification Sherloc (09022015). Collection method: clinical testing. Allele origin: germline.
Comment: This sequence change replaces methionine, which is neutral and non-polar, with valine, which is neutral and non-polar, at codon 1304 of the DOCK8 protein (p.Met1304Val). This variant is present in population databases (rs376247401, gnomAD 0.006%). This variant has not been reported in the literature in individuals affected with DOCK8-related conditions. ClinVar contains an entry for this variant (Variation ID: 849286). Invitae Evidence Modeling of protein sequence and biophysical properties (such as structural, functional, and spatial information, amino acid conservation, physicochemical variation, residue mobility, and thermodynamic stability) indicates that this missense variant is not expected to disrupt DOCK8 protein function with a negative predictive value of 80%. In summary, the available evidence is currently insufficient to determine the role of this variant in disease. Therefore, it has been classified as a Variant of Uncertain Significance.

Blueprint Genetics
Classification: Uncertain significance. Last evaluated: 2023-11-22. Review status: criteria provided, single submitter. Criteria: ACMG Guidelines, 2015. Collection method: clinical testing. Allele origin: germline.

Ambry Genetics
Classification: Uncertain significance for Inborn genetic diseases. Last evaluated: 2022-08-12. Review status: criteria provided, single submitter. Criteria: Ambry Variant Classification Scheme 2023. Collection method: clinical testing. Allele origin: germline.